The following is an entry in ClinVar:

ClinVar aggregate classification (germline): Uncertain significance (1 of 4 stars; one submission).

gnomAD v4.1: 23 of 1,613,020 alleles (0.0014%); highest among the groups gnomAD compares: East Asian, 0.016%; no homozygotes.

Submission:

Labcorp Genetics (formerly Invitae), Labcorp
Classification: Uncertain significance. Last evaluated: 2024-08-11. Review status: criteria provided, single submitter. Criteria: Invitae Variant Classification Sherloc (09022015). Collection method: clinical testing. Allele origin: germline.
Comment: This sequence change replaces arginine, which is basic and polar, with glutamine, which is neutral and polar, at codon 321 of the ASXL1 protein (p.Arg321Gln). This variant is present in population databases (rs769646696, gnomAD 0.04%). This variant has not been reported in the literature in individuals affected with ASXL1-related conditions. An algorithm developed to predict the effect of missense changes on protein structure and function (PolyPhen-2) suggests that this variant is likely to be disruptive. In summary, the available evidence is currently insufficient to determine the role of this variant in disease. Therefore, it has been classified as a Variant of Uncertain Significance.

NM_015338.6(ASXL1):c.962G>A (p.Arg321Gln)

Gene: ASXL1 (ASXL transcriptional regulator 1; plus strand). Cytogenetic location: 20q11.21.
Variant type: single nucleotide variant.
Coding change: c.962G>A on transcript NM_015338.6 (MANE Select); coding-DNA position 962, G replaced by A.
Protein change: p.Arg321Gln; replaces arginine 321 with glutamine.
Molecular consequence: missense variant.
Genome position (GRCh38, 1-based): chr20:32,431,662, G>A. VCF-style: chr20-32431662-G-A. GRCh37 (hg19) VCF-style: chr20-31019465-G-A.
Other names: c.779G>A, p.Arg260Gln (NM_001363734.1); short protein forms R260Q, R321Q.
Identifiers: ClinVar variation 3612841 (VCV003612841.2).